The following is an entry in ClinVar:

NM_000051.4(ATM):c.7460T>C (p.Leu2487Pro)

Genes: ATM (ATM serine/threonine kinase; plus strand), C11orf65 (chromosome 11 open reading frame 65; minus strand). Cytogenetic location: 11q22.3.
Variant type: single nucleotide variant.
Coding change: c.7460T>C on transcript NM_000051.4 (MANE Select); coding-DNA position 7460, T replaced by C.
Protein change: p.Leu2487Pro; replaces leucine 2487 with proline.
Molecular consequence: missense variant. On other transcripts: intron variant (2).
Genome position (GRCh38, 1-based): chr11:108,330,366, T>C. VCF-style: chr11-108330366-T-C. GRCh37 (hg19) VCF-style: chr11-108201093-T-C.
Other names: c.7460T>C, p.Leu2487Pro (NM_001351834.2); c.641-21295A>G (NM_001330368.2); c.*38+4854A>G (NM_001351110.2); short protein forms L2487P.
Identifiers: ClinVar variation 3720477 (VCV003720477.2).
Genomic context (GRCh38, chr11:108,330,366, plus strand): 5'-TTGAAAATTATATCAACTGCTTATTAAGTGGAGAAGAACATGATATGTGGGTATTCCGAC[T>C]TTGTTCCCTCTGGCTTGAAAATTCTGGAGTTTCTGAAGTCAATGGCATGATGAAGGCAAG-3'
Protein context (NP_000042.3, residues 2477-2497): GEEHDMWVFR[Leu2487Pro]CSLWLENSGV

ClinVar aggregate classification (germline): Uncertain significance (1 of 4 stars; one submission).

Conditions:
Ataxia-telangiectasia syndrome (AT). Also called: Ataxia-telangiectasia, complementation group D; AT, COMPLEMENTATION GROUP C; ATAXIA-TELANGIECTASIA, COMPLEMENTATION GROUP A; ATAXIA-TELANGIECTASIA, FRESNO VARIANT; Ataxia-telangiectasia; Ataxia-telangiectasia, complementation group E. Identifiers: Orphanet 100, MedGen C0004135, MONDO:0008840, OMIM 208900.

Submission:

Labcorp Genetics (formerly Invitae), Labcorp
Classification: Uncertain significance for Ataxia-telangiectasia syndrome. Last evaluated: 2024-10-15. Review status: criteria provided, single submitter. Criteria: Invitae Variant Classification Sherloc (09022015). Collection method: clinical testing. Allele origin: germline.
Comment: This sequence change replaces leucine, which is neutral and non-polar, with proline, which is neutral and non-polar, at codon 2487 of the ATM protein (p.Leu2487Pro). This variant is not present in population databases (gnomAD no frequency). This variant has not been reported in the literature in individuals affected with ATM-related conditions. Invitae Evidence Modeling of protein sequence and biophysical properties (such as structural, functional, and spatial information, amino acid conservation, physicochemical variation, residue mobility, and thermodynamic stability) indicates that this missense variant is expected to disrupt ATM protein function with a positive predictive value of 95%. In summary, the available evidence is currently insufficient to determine the role of this variant in disease. Therefore, it has been classified as a Variant of Uncertain Significance.